The following is an entry in ClinVar:

NM_000191.3(HMGCL):c.322C>T (p.Pro108Ser)

Gene: HMGCL (3-hydroxy-3-methylglutaryl-CoA lyase; minus strand). Cytogenetic location: 1p36.11.
Variant type: single nucleotide variant.
Coding change: c.322C>T on transcript NM_000191.3 (MANE Select); coding-DNA position 322, C replaced by T.
Protein change: p.Pro108Ser; replaces proline 108 with serine.
Molecular consequence: missense variant.
Genome position (GRCh38, 1-based): chr1:23,816,701, G>A on the plus strand (C>T on the coding strand, the complement: HMGCL is on the minus strand). VCF-style: chr1-23816701-G-A. GRCh37 (hg19) VCF-style: chr1-24143191-G-A.
Other names: c.322C>T, p.Pro108Ser (NM_001166059.2); short protein forms P108S.
Identifiers: ClinVar variation 1488401 (VCV001488401.6), dbSNP rs2148423771, ClinGen allele CA339028560.

ClinVar aggregate classification (germline): Uncertain significance (1 of 4 stars; one submission).

Conditions:
Deficiency of hydroxymethylglutaryl-CoA lyase (HMGCLD). Also called: HMG-CoA LYASE DEFICIENCY; Defect in leucine metabolism; 3-hydroxy-3-methylglutaric aciduria; HMGCL DEFICIENCY; HYDROXYMETHYLGLUTARIC ACIDURIA. Identifiers: Orphanet 20, MedGen C1533587, MONDO:0009520, OMIM 246450.

Submission:

Labcorp Genetics (formerly Invitae), Labcorp
Classification: Uncertain significance for Deficiency of hydroxymethylglutaryl-CoA lyase. Last evaluated: 2023-08-17. Review status: criteria provided, single submitter. Criteria: Invitae Variant Classification Sherloc (09022015). Collection method: clinical testing. Allele origin: germline.
Comment: This variant is not present in population databases (gnomAD no frequency). In summary, the available evidence is currently insufficient to determine the role of this variant in disease. Therefore, it has been classified as a Variant of Uncertain Significance. Advanced modeling of protein sequence and biophysical properties (such as structural, functional, and spatial information, amino acid conservation, physicochemical variation, residue mobility, and thermodynamic stability) performed at Invitae indicates that this missense variant is expected to disrupt HMGCL protein function. ClinVar contains an entry for this variant (Variation ID: 1488401). This variant has not been reported in the literature in individuals affected with HMGCL-related conditions. This sequence change replaces proline, which is neutral and non-polar, with serine, which is neutral and polar, at codon 108 of the HMGCL protein (p.Pro108Ser).